The following is an entry in ClinVar:

NM_001370298.3(FGD4):c.1454C>A (p.Pro485His)

Gene: FGD4 (FYVE, RhoGEF and PH domain containing 4; plus strand). Cytogenetic location: 12p11.21.
Variant type: single nucleotide variant.
Coding change: c.1454C>A on transcript NM_001370298.3 (MANE Select); coding-DNA position 1454, C replaced by A.
Protein change: p.Pro485His; replaces proline 485 with histidine.
Molecular consequence: missense variant.
Genome position (GRCh38, 1-based): chr12:32,608,006, C>A. VCF-style: chr12-32608006-C-A. GRCh37 (hg19) VCF-style: chr12-32760940-C-A.
Other names: c.1298C>A, p.Pro433His (NM_001304481.2); c.299C>A, p.Pro100His (NM_001304483.2); c.11C>A, p.Pro4His (NM_001304484.2); c.764C>A, p.Pro255His (NM_001330373.2, NM_001330374.2, NM_001384130.1); c.491C>A, p.Pro164His (NM_001370297.1); c.1454C>A, p.Pro485His (NM_001384126.1); c.1043C>A, p.Pro348His (NM_001384127.1, NM_001384128.1, NM_001385118.1 and 1 more transcripts); short protein forms P255H, P100H, P164H, P4H, P348H, P433H, P485H.
Identifiers: ClinVar variation 947906 (VCV000947906.9), dbSNP rs928398769, ClinGen allele CA384360446.

ClinVar aggregate classification (germline): Uncertain significance (1 of 4 stars; one submission).

Conditions:
Charcot-Marie-Tooth disease type 4. Also called: Charcot-Marie-Tooth, Type 4; Charcot-Marie-Tooth disease, type IV. Identifiers: Orphanet 64749, MedGen C4082197, MONDO:0018995.

Submission:

Labcorp Genetics (formerly Invitae), Labcorp
Classification: Uncertain significance for Charcot-Marie-Tooth disease type 4. Last evaluated: 2019-09-02. Review status: criteria provided, single submitter. Criteria: Invitae Variant Classification Sherloc (09022015). Collection method: clinical testing. Allele origin: germline.
Comment: In summary, the available evidence is currently insufficient to determine the role of this variant in disease. Therefore, it has been classified as a Variant of Uncertain Significance. Algorithms developed to predict the effect of missense changes on protein structure and function (SIFT, PolyPhen-2, Align-GVGD) all suggest that this variant is likely to be disruptive, but these predictions have not been confirmed by published functional studies and their clinical significance is uncertain. This variant has not been reported in the literature in individuals with FGD4-related conditions. This variant is not present in population databases (ExAC no frequency). This sequence change replaces proline with histidine at codon 348 of the FGD4 protein (p.Pro348His). The proline residue is highly conserved and there is a moderate physicochemical difference between proline and histidine.